The following is an entry in ClinVar:

ClinVar aggregate classification (germline): Likely benign. Review status: criteria provided, multiple submitters, no conflicts (2 of 4 stars). 2 submissions from 2 submitters: Likely benign (2). Last evaluated 2026-06-12.

Conditions:
Gastrointestinal stromal tumor. Also called: Gastrointestinal stroma tumor; Gastrointestinal stromal tumor, somatic. Identifiers: Orphanet 44890, MedGen C0238198, MeSH D046152, MONDO:0011719, OMIM 606764, HP:0100723.
Polyps, multiple and recurrent inflammatory fibroid, gastrointestinal. Identifiers: MedGen C5193005, MONDO:0008285, OMIM 175510.

Allele frequency attached by ClinVar (database versions not stated): gnomAD exomes below 0.00001.
gnomAD v4.1: 1 of 1,612,230 alleles (0.000062%); highest among the groups gnomAD compares: South Asian, 0.0011%; no homozygotes.

Submissions (2):

Myriad Genetics, Inc.
Classification: Likely benign for Polyps, multiple and recurrent inflammatory fibroid, gastrointestinal. Last evaluated: 2026-06-12. Review status: criteria provided, single submitter. Criteria: Myriad Autosomal Dominant, Autosomal Recessive and X-Linked Classification Criteria (2023). Collection method: clinical testing. Allele origin: unknown.
Comment: This variant is considered likely benign. This variant is intronic and is not expected to impact mRNA splicing.

Labcorp Genetics (formerly Invitae), Labcorp
Classification: Likely benign for Gastrointestinal stromal tumor. Last evaluated: 2025-07-17. Review status: criteria provided, single submitter. Criteria: Invitae Variant Classification Sherloc (09022015). Collection method: clinical testing. Allele origin: germline.

NM_006206.6(PDGFRA):c.628+7G>A

Gene: PDGFRA (platelet derived growth factor receptor alpha; plus strand). Cytogenetic location: 4q12.
Variant type: single nucleotide variant.
Coding change: c.628+7G>A on transcript NM_006206.6 (MANE Select); 7 bases into the intron after coding-DNA position 628, G replaced by A.
Molecular consequence: intron variant.
Genome position (GRCh38, 1-based): chr4:54,263,934, G>A. VCF-style: chr4-54263934-G-A. GRCh37 (hg19) VCF-style: chr4-55130101-G-A.
Other names: c.703+7G>A (NM_001347828.2); c.628+7G>A (NM_001347827.2, NM_001347829.2); c.667+7G>A (NM_001347830.2).
Identifiers: ClinVar variation 459114 (VCV000459114.12), dbSNP rs1257254451, ClinGen allele CA356890254.